The following is an entry in ClinVar:

NM_006329.4(FBLN5):c.1066G>T (p.Val356Leu)

Gene: FBLN5 (fibulin 5; minus strand). Cytogenetic location: 14q32.12.
Variant type: single nucleotide variant.
Coding change: c.1066G>T on transcript NM_006329.4 (MANE Select); coding-DNA position 1066, G replaced by T.
Protein change: p.Val356Leu; replaces valine 356 with leucine.
Molecular consequence: missense variant.
Genome position (GRCh38, 1-based): chr14:91,877,606, C>A on the plus strand (G>T on the coding strand, the complement: FBLN5 is on the minus strand). VCF-style: chr14-91877606-C-A. GRCh37 (hg19) VCF-style: chr14-92343950-C-A.
Other names: c.1189G>T, p.Val397Leu (NM_001384158.1); c.1117G>T, p.Val373Leu (NM_001384159.1); c.1066G>T, p.Val356Leu (NM_001384160.1); c.898G>T, p.Val300Leu (NM_001384161.1, NM_001384162.1); short protein forms V300L, V356L, V373L, V397L.
Identifiers: ClinVar variation 1721566 (VCV001721566.5), dbSNP rs2542752089, ClinGen allele CA390640824.

ClinVar aggregate classification (germline): Uncertain significance (1 of 4 stars; one submission).

Submission:

Labcorp Genetics (formerly Invitae), Labcorp
Classification: Uncertain significance. Last evaluated: 2022-10-21. Review status: criteria provided, single submitter. Criteria: Invitae Variant Classification Sherloc (09022015). Collection method: clinical testing. Allele origin: germline.
Comment: In summary, the available evidence is currently insufficient to determine the role of this variant in disease. Therefore, it has been classified as a Variant of Uncertain Significance. Advanced modeling of protein sequence and biophysical properties (such as structural, functional, and spatial information, amino acid conservation, physicochemical variation, residue mobility, and thermodynamic stability) performed at Invitae indicates that this missense variant is not expected to disrupt FBLN5 protein function. This variant has not been reported in the literature in individuals affected with FBLN5-related conditions. This variant is not present in population databases (gnomAD no frequency). This sequence change replaces valine, which is neutral and non-polar, with leucine, which is neutral and non-polar, at codon 356 of the FBLN5 protein (p.Val356Leu).